The following is an entry in ClinVar:

NM_000327.4(ROM1):c.556C>T (p.Arg186Cys)

Gene: ROM1 (retinal outer segment membrane protein 1; plus strand). Cytogenetic location: 11q12.3.
Variant type: single nucleotide variant.
Coding change: c.556C>T on transcript NM_000327.4 (MANE Select); coding-DNA position 556, C replaced by T.
Protein change: p.Arg186Cys; replaces arginine 186 with cysteine.
Molecular consequence: missense variant.
Genome position (GRCh38, 1-based): chr11:62,613,837, C>T. VCF-style: chr11-62613837-C-T. GRCh37 (hg19) VCF-style: chr11-62381309-C-T.
Other names: c.556C>T (NM_000327.3); short protein forms R186C.
Identifiers: ClinVar variation 1059572 (VCV001059572.9), dbSNP rs201994615, ClinGen allele CA6049762.

ClinVar aggregate classification (germline): Uncertain significance. Review status: criteria provided, multiple submitters, no conflicts (2 of 4 stars). 3 submissions from 3 submitters: Uncertain significance (3). Last evaluated 2025-03-15.

Conditions:
Retinitis pigmentosa 7 (RP7). Identifiers: Orphanet 791, MedGen C1842475, MONDO:0011974, OMIM 608133.

Allele frequency attached by ClinVar (database versions not stated): TOPMed 0.00003; ExAC 0.00004; gnomAD 0.00004; gnomAD exomes 0.00004 and 0.00007.
gnomAD v4.1: 68 of 1,613,932 alleles (0.0042%); highest among the groups gnomAD compares: South Asian, 0.032%; 1 homozygote.

Submissions (3):

Labcorp Genetics (formerly Invitae), Labcorp
Classification: Uncertain significance. Last evaluated: 2025-03-15. Review status: criteria provided, single submitter. Criteria: Invitae Variant Classification Sherloc (09022015). Collection method: clinical testing. Allele origin: germline.
Comment: This sequence change replaces arginine, which is basic and polar, with cysteine, which is neutral and slightly polar, at codon 186 of the ROM1 protein (p.Arg186Cys). This variant is present in population databases (rs201994615, gnomAD 0.04%). This variant has not been reported in the literature in individuals affected with ROM1-related conditions. ClinVar contains an entry for this variant (Variation ID: 1059572). Invitae Evidence Modeling of protein sequence and biophysical properties (such as structural, functional, and spatial information, amino acid conservation, physicochemical variation, residue mobility, and thermodynamic stability) indicates that this missense variant is not expected to disrupt ROM1 protein function with a negative predictive value of 80%. In summary, the available evidence is currently insufficient to determine the role of this variant in disease. Therefore, it has been classified as a Variant of Uncertain Significance.

Revvity Omics, Revvity
Classification: Uncertain significance for Retinitis pigmentosa 7. Last evaluated: 2024-08-30. Review status: criteria provided, single submitter. Criteria: ACMG Guidelines, 2015. Collection method: clinical testing. Allele origin: germline.

Blueprint Genetics
Classification: Uncertain significance. Last evaluated: 2024-06-26. Review status: criteria provided, single submitter. Criteria: ACMG Guidelines, 2015. Collection method: clinical testing. Allele origin: germline.